The following is an entry in ClinVar:

NM_000388.4(CASR):c.2668C>T (p.Arg890Cys)

Gene: CASR (calcium sensing receptor; plus strand). Cytogenetic location: 3q21.1.
Variant type: single nucleotide variant.
Coding change: c.2668C>T on transcript NM_000388.4 (MANE Select); coding-DNA position 2668, C replaced by T.
Protein change: p.Arg890Cys; replaces arginine 890 with cysteine.
Molecular consequence: missense variant.
Genome position (GRCh38, 1-based): chr3:122,284,622, C>T. VCF-style: chr3-122284622-C-T. GRCh37 (hg19) VCF-style: chr3-122003469-C-T.
Other names: c.2698C>T, p.Arg900Cys (NM_001178065.2); short protein forms R890C, R900C.
Identifiers: ClinVar variation 649238 (VCV000649238.8), dbSNP rs548127959, ClinGen allele CA2569841.

ClinVar aggregate classification (germline): Uncertain significance. Review status: criteria provided, single submitter (1 of 4 stars). 2 submissions from 2 submitters: Uncertain significance (1). 1 of the submissions does not count toward it. Last evaluated 2023-12-30.

Conditions:
Autosomal dominant hypocalcemia 1 (HYPOC1). Also called: HYPOCALCEMIA, FAMILIAL. Identifiers: MedGen C3715128, MONDO:0011013, OMIM 601198.
Familial hypocalciuric hypercalcemia (FHH). Also called: Familial benign hypercalcemia. Identifiers: Orphanet 405, MedGen C1809471, MONDO:0018458.
Familial hypocalciuric hypercalcemia 1. Also called: Hypercalcemia, familial benign type 1. Identifiers: Orphanet 405, Orphanet 93372, MedGen C0342637, MONDO:0007791, OMIM 145980.

Allele frequency attached by ClinVar (database versions not stated): TOPMed below 0.00001; ExAC 0.00001; 1000 Genomes Project 30x 0.00016; gnomAD exomes below 0.00001 and 0.00002; 1000 Genomes Project 0.00020; gnomAD 0.00001.
gnomAD v4.1: 6 of 1,614,054 alleles (0.00037%); highest among the groups gnomAD compares: East Asian, 0.0022%; no homozygotes.

Submissions (2):

Labcorp Genetics (formerly Invitae), Labcorp
Classification: Uncertain significance for Familial hypocalciuric hypercalcemia; Autosomal dominant hypocalcemia 1. Last evaluated: 2023-12-30. Review status: criteria provided, single submitter. Criteria: Invitae Variant Classification Sherloc (09022015). Collection method: clinical testing. Allele origin: germline.
Comment: This sequence change replaces arginine, which is basic and polar, with cysteine, which is neutral and slightly polar, at codon 890 of the CASR protein (p.Arg890Cys). This variant is present in population databases (rs548127959, gnomAD 0.003%). This variant has not been reported in the literature in individuals affected with CASR-related conditions. ClinVar contains an entry for this variant (Variation ID: 649238). An algorithm developed to predict the effect of missense changes on protein structure and function (PolyPhen-2) suggests that this variant is likely to be disruptive. In summary, the available evidence is currently insufficient to determine the role of this variant in disease. Therefore, it has been classified as a Variant of Uncertain Significance.

Cardiovascular Genetics Laboratory, PathWest Laboratory Medicine WA - Fiona Stanley Hospital
Classification: Uncertain significance for Familial hypocalciuric hypercalcemia 1. Last evaluated: 2023-07-26. Review status: no assertion criteria provided. Criteria: ACMG Guidelines, 2015. Collection method: clinical testing. Allele origin: germline. Not counted in ClinVar's aggregate classification.